The following is an entry in ClinVar:

NM_176787.5(PIGN):c.1245T>C (p.Asp415=)

Gene: PIGN (phosphatidylinositol glycan anchor biosynthesis class N; minus strand). Cytogenetic location: 18q21.33.
Variant type: single nucleotide variant.
Coding change: c.1245T>C on transcript NM_176787.5 (MANE Select); coding-DNA position 1245, T replaced by C.
Protein change: p.Asp415=; no amino-acid change (aspartic acid 415 retained).
Molecular consequence: synonymous variant.
Genome position (GRCh38, 1-based): chr18:62,114,567, A>G on the plus strand (T>C on the coding strand, the complement: PIGN is on the minus strand). VCF-style: chr18-62114567-A-G. GRCh37 (hg19) VCF-style: chr18-59781800-A-G.
Other names: p.Asp415=; c.1245T>C, p.Asp415= (NM_012327.6).
Identifiers: ClinVar variation 403304 (VCV000403304.23), dbSNP rs13381627, ClinGen allele CA8982349.

ClinVar aggregate classification (germline): Benign. Review status: criteria provided, multiple submitters, no conflicts (2 of 4 stars). 7 submissions from 7 submitters: Benign (7). Last evaluated 2026-02-04.

Conditions:
Inborn genetic diseases. Identifiers: MedGen C0950123, MeSH D030342.
Multiple congenital anomalies-hypotonia-seizures syndrome 1 (MCAHS1). Also called: PIGN-CDG; Congenital disorder of glycosylation due to PIGN deficiency; GLYCOSYLPHOSPHATIDYLINOSITOL BIOSYNTHESIS DEFECT 3. Identifiers: Orphanet 280633, MedGen C3279775, MONDO:0013563, OMIM 614080.

Allele frequency attached by ClinVar (database versions not stated): 1000 Genomes Project 30x 0.09354; 1000 Genomes Project 0.09565; TOPMed 0.15893; ESP Exome Variant Server 0.15963; gnomAD 0.16981 and 0.17246; ExAC 0.17480; gnomAD exomes 0.17481 and 0.22295.
gnomAD v4.1: 326,589 of 1,505,156 alleles (22%); highest among the groups gnomAD compares: Non-Finnish European, 25%; 39,443 homozygotes.

Submissions (7):

Labcorp Genetics (formerly Invitae), Labcorp
Classification: Benign for Multiple congenital anomalies-hypotonia-seizures syndrome 1. Last evaluated: 2026-02-04. Review status: criteria provided, single submitter. Criteria: Invitae Variant Classification Sherloc (09022015). Collection method: clinical testing. Allele origin: germline.

Blueprint Genetics
Classification: Benign. Last evaluated: 2024-11-28. Review status: criteria provided, single submitter. Criteria: ACMG Guidelines, 2015. Collection method: clinical testing. Allele origin: germline.

Mayo Clinic Laboratories, Mayo Clinic
Classification: Benign. Last evaluated: 2021-11-29. Review status: criteria provided, single submitter. Criteria: ACMG Guidelines, 2015. Collection method: clinical testing. Allele origin: germline. Observed: 99 variant alleles.

GeneDx
Classification: Benign. Last evaluated: 2018-07-05. Review status: criteria provided, single submitter. Criteria: GeneDx Variant Classification Process June 2021. Collection method: clinical testing. Allele origin: germline. Affected: yes.

Laboratory for Molecular Medicine, Mass General Brigham Personalized Medicine
Classification: Benign. Last evaluated: 2016-03-29. Review status: criteria provided, single submitter. Criteria: LMM Criteria. Collection method: clinical testing. Allele origin: germline.
Comment: Variant identified in a genome or exome case(s) and assessed due to predicted null impact of the variant or pathogenic assertions in the literature or databases. Disclaimer: This variant has not undergone full assessment. The following are preliminary notes: Frequency

Ambry Genetics
Classification: Benign for Inborn genetic diseases. Last evaluated: 2016-03-19. Review status: criteria provided, single submitter. Criteria: Ambry Variant Classification Scheme 2023. Collection method: clinical testing. Allele origin: germline.

Breakthrough Genomics
Classification: Benign. Review status: criteria provided, single submitter. Criteria: ACMG Guidelines, 2015. Collection method: not provided. Allele origin: germline. Inheritance: Autosomal recessive inheritance. Affected: yes.